The following is an entry in ClinVar:

NM_000388.4(CASR):c.1078C>T (p.Leu360Phe)

Gene: CASR (calcium sensing receptor; plus strand). Cytogenetic location: 3q21.1.
Variant type: single nucleotide variant.
Coding change: c.1078C>T on transcript NM_000388.4 (MANE Select); coding-DNA position 1078, C replaced by T.
Protein change: p.Leu360Phe; replaces leucine 360 with phenylalanine.
Molecular consequence: missense variant.
Genome position (GRCh38, 1-based): chr3:122,262,113, C>T. VCF-style: chr3-122262113-C-T. GRCh37 (hg19) VCF-style: chr3-121980960-C-T.
Other names: c.1078C>T, p.Leu360Phe (NM_001178065.2); short protein forms L360F.
Identifiers: ClinVar variation 1785442 (VCV001785442.5), dbSNP rs751813138, ClinGen allele CA2569587.

ClinVar aggregate classification (germline): Uncertain significance. Review status: criteria provided, multiple submitters, no conflicts (2 of 4 stars). 2 submissions from 2 submitters: Uncertain significance (2). Last evaluated 2023-03-29.

Conditions:
Autosomal dominant hypocalcemia 1 (HYPOC1). Also called: HYPOCALCEMIA, FAMILIAL. Identifiers: MedGen C3715128, MONDO:0011013, OMIM 601198.
Familial hypocalciuric hypercalcemia (FHH). Also called: Familial benign hypercalcemia. Identifiers: Orphanet 405, MedGen C1809471, MONDO:0018458.
Nephrolithiasis/nephrocalcinosis. Identifiers: MedGen CN580796.

Allele frequency attached by ClinVar (database versions not stated): gnomAD exomes below 0.00001; ExAC 0.00001.
gnomAD v4.1: 3 of 1,614,178 alleles (0.00019%); highest among the groups gnomAD compares: Non-Finnish European, 0.00025%; no homozygotes.

Submissions (2):

Labcorp Genetics (formerly Invitae), Labcorp
Classification: Uncertain significance for Familial hypocalciuric hypercalcemia; Autosomal dominant hypocalcemia 1. Last evaluated: 2023-03-29. Review status: criteria provided, single submitter. Criteria: Invitae Variant Classification Sherloc (09022015). Collection method: clinical testing. Allele origin: germline.
Comment: In summary, the available evidence is currently insufficient to determine the role of this variant in disease. Therefore, it has been classified as a Variant of Uncertain Significance. An algorithm developed to predict the effect of missense changes on protein structure and function (PolyPhen-2) suggests that this variant is likely to be tolerated. ClinVar contains an entry for this variant (Variation ID: 1785442). This variant has not been reported in the literature in individuals affected with CASR-related conditions. This variant is present in population databases (rs751813138, gnomAD 0.0009%). This sequence change replaces leucine, which is neutral and non-polar, with phenylalanine, which is neutral and non-polar, at codon 360 of the CASR protein (p.Leu360Phe).

Ambry Genetics
Classification: Uncertain significance for Nephrolithiasis/nephrocalcinosis. Last evaluated: 2021-09-08. Review status: criteria provided, single submitter. Criteria: Ambry Variant Classification Scheme 2023. Collection method: clinical testing. Allele origin: germline.
Comment: The p.L360F variant (also known as c.1078C>T), located in coding exon 3 of the CASR gene, results from a C to T substitution at nucleotide position 1078. The leucine at codon 360 is replaced by phenylalanine, an amino acid with highly similar properties. This amino acid position is conserved. In addition, the in silico prediction for this alteration is inconclusive. Since supporting evidence is limited at this time, the clinical significance of this alteration remains unclear.